The following is an entry in ClinVar:

ClinVar aggregate classification (germline): Uncertain significance (1 of 4 stars; one submission).

Conditions:
Granulomatous disease, chronic, autosomal recessive, cytochrome b-negative. Also called: GRANULOMATOUS DISEASE, CHRONIC, AUTOSOMAL RECESSIVE, 4; CGD DUE TO DEFICIENCY OF THE ALPHA SUBUNIT OF CYTOCHROME b; CGD, AUTOSOMAL RECESSIVE CYTOCHROME b-NEGATIVE; CYBA DEFICIENCY; Chronic granulomatous disease, autosomal, due to deficiency of CYBA. Identifiers: Orphanet 379, MedGen C1856255, MONDO:0009308, OMIM 233690.

Submission:

Labcorp Genetics (formerly Invitae), Labcorp
Classification: Uncertain significance for Granulomatous disease, chronic, autosomal recessive, cytochrome b-negative. Last evaluated: 2020-11-16. Review status: criteria provided, single submitter. Criteria: Invitae Variant Classification Sherloc (09022015). Collection method: clinical testing. Allele origin: germline.
Comment: This sequence change results in a frameshift in the CYBA gene (p.Gly182Argfs*31). While this is not anticipated to result in nonsense mediated decay, it is expected to disrupt the last 14 amino acids of the CYBA protein and extend the protein by an additional 16 amino acids. The frequency data for this variant in the population databases is considered unreliable, as metrics indicate insufficient coverage at this position in the ExAC database. This variant has not been reported in the literature in individuals with CYBA-related conditions. Experimental studies and prediction algorithms are not available or were not evaluated, and the functional significance of this variant is currently unknown. In summary, the available evidence is currently insufficient to determine the role of this variant in disease. Therefore, it has been classified as a Variant of Uncertain Significance.

NM_000101.4(CYBA):c.539dup (p.Gly182fs)

Gene: CYBA (cytochrome b-245 alpha chain; minus strand). Cytogenetic location: 16q24.2.
Variant type: Duplication.
Coding change: c.539dup on transcript NM_000101.4 (MANE Select); coding-DNA position 539, one base duplicated (C; older notation c.539dupC).
Protein change: p.Gly182fs; shifts the reading frame from glycine 182.
Molecular consequence: frameshift variant.
Genome position (GRCh38, 1-based): chr16:88,643,402, G duplicated on the plus strand (C on the coding strand, the reverse complement: CYBA is on the minus strand); the first of 5 consecutive G bases (chr16:88,643,402-88,643,406); duplicating any one gives the same sequence. VCF-style (leftmost placement, unchanged base first): chr16-88643401-C-CG. GRCh37 (hg19) VCF-style: chr16-88709809-C-CG.
Other names: short protein forms G182fs.
Identifiers: ClinVar variation 1983563 (VCV001983563.1), dbSNP rs2507520946, ClinGen allele CA980332359.